The following is an entry in ClinVar:

GRCh38/hg38 3q26.33(chr3:181504586-182287821)x1

Genes: LINC01206 (long intergenic non-protein coding RNA 1206; plus strand), SOX2 (SRY-box transcription factor 2; plus strand), SOX2-OT (SOX2 overlapping transcript; plus strand), LOC108281177 (SOX2 5' regulatory region; plus strand), LOC108281178 (SRR2 enhancer downstream of SOX2; plus strand) and 5 more. Cytogenetic location: 3q26.33.
Variant type: copy number loss.
Change: copy number 1 (one copy instead of two) of chr3:181,504,586-182,287,821 (783.2 kb, GRCh38 coordinates, 1-based), cytogenetic band 3q26.33.
Identifiers: ClinVar variation 57865 (VCV000057865.1).

ClinVar aggregate classification (germline): Pathogenic (1 of 4 stars; one submission).

Submission:

ISCA site 15
Classification: Pathogenic. Last evaluated: 2011-08-12. Review status: criteria provided, single submitter. Criteria: Kaminsky et al. (Genet Med. 2011). Collection method: clinical testing. Allele origin: unknown. Affected: yes. Observed: 1 variant allele.
Comment: Copy number variation identified through the course of routine clinical cytogenomic testing in postnatal populations. Clinical assertions have been curated as described in Kaminsky et al. 2011.